The following is an entry in ClinVar:

ClinVar aggregate classification (germline): Conflicting classifications of pathogenicity. Review status: criteria provided, conflicting classifications (1 of 4 stars). 2 submissions from 2 submitters: Uncertain significance (1); Likely benign (1). Last evaluated 2025-09-28.

Conditions:
Inborn genetic diseases. Identifiers: MedGen C0950123, MeSH D030342.

Allele frequency attached by ClinVar (database versions not stated): gnomAD exomes below 0.00001.
gnomAD v4.1: 2 of 1,614,082 alleles (0.00012%); highest among the groups gnomAD compares: Non-Finnish European, 0.00017%; no homozygotes.

Submissions (2):

Ambry Genetics
Classification: Uncertain significance for Inborn genetic diseases. Last evaluated: 2025-09-28. Review status: criteria provided, single submitter. Criteria: Ambry Variant Classification Scheme 2023. Collection method: clinical testing. Allele origin: germline.
Comment: The p.D756N variant (also known as c.2266G>A), located in coding exon 13 of the ASXL1 gene, results from a G to A substitution at nucleotide position 2266. The aspartic acid at codon 756 is replaced by asparagine, an amino acid with highly similar properties. This amino acid position is conserved. In addition, this alteration is predicted to be tolerated by in silico analysis. Based on the available evidence, the clinical significance of this variant remains unclear.

Labcorp Genetics (formerly Invitae), Labcorp
Classification: Likely benign. Last evaluated: 2024-05-23. Review status: criteria provided, single submitter. Criteria: Invitae Variant Classification Sherloc (09022015). Collection method: clinical testing. Allele origin: germline.

NM_015338.6(ASXL1):c.2266G>A (p.Asp756Asn)

Gene: ASXL1 (ASXL transcriptional regulator 1; plus strand). Cytogenetic location: 20q11.21.
Variant type: single nucleotide variant.
Coding change: c.2266G>A on transcript NM_015338.6 (MANE Select); coding-DNA position 2266, G replaced by A.
Protein change: p.Asp756Asn; replaces aspartic acid 756 with asparagine.
Molecular consequence: missense variant.
Genome position (GRCh38, 1-based): chr20:32,434,978, G>A. VCF-style: chr20-32434978-G-A. GRCh37 (hg19) VCF-style: chr20-31022781-G-A.
Other names: c.2083G>A, p.Asp695Asn (NM_001363734.1); short protein forms D695N, D756N.
Identifiers: ClinVar variation 727051 (VCV000727051.8), dbSNP rs1600587608, ClinGen allele CA408559449.